The following is an entry in ClinVar:

NM_001244008.2(KIF1A):c.2721GGA[8] (p.Glu915_Glu917del)

Gene: KIF1A (kinesin family member 1A; minus strand). Cytogenetic location: 2q37.3.
Variant type: Microsatellite.
Coding change: c.2721GGA[8] on transcript NM_001244008.2 (MANE Select); eight copies in a row of the 3-base unit GGA starting at c.2721; the reference has 11 copies in a row; three copies, 9 bases deleted.
Protein change: p.Glu915_Glu917del.
Molecular consequence: inframe deletion. On other transcripts: intron variant (18).
Genome position (GRCh38, 1-based): chr2:240,757,424-240,757,432, TCCTCCTCC deleted on the plus strand (GGAGGAGGA on the coding strand, the reverse complement: KIF1A is on the minus strand); deleting any 9 consecutive bases within chr2:240,757,424-240,757,456 gives the same sequence; the position shown is the placement nearest the transcript's 3' end. VCF-style (leftmost placement, unchanged base first): chr2-240757423-ATCCTCCTCC-A. GRCh37 (hg19) VCF-style: chr2-241696840-ATCCTCCTCC-A.
Other names: c.2796GGA[8], p.Glu940_Glu942del (NM_001379631.1); c.2670GGA[8], p.Glu898_Glu900del (NM_001379632.1); c.2694GGA[8], p.Glu906_Glu908del (NM_001379633.1, NM_001379642.1, NM_001379645.1); c.2555+904GGA[8] (NM_001379653.1, NM_001379650.1, NM_001379640.1 and 6 more transcripts); c.2657+904GGA[8] (NM_001379635.1, NM_001330290.2, NM_001379646.1 and 1 more transcripts); c.2630+904GGA[8] (NM_001379637.1, NM_001379648.1); c.2582+904GGA[8] (NM_001320705.2, NM_001379638.1, NM_001330289.2); c.2745_2753del9 (NM_001244008.1).
Identifiers: ClinVar variation 1341632 (VCV001341632.8), dbSNP rs10594016, ClinGen allele CA2208030.

ClinVar aggregate classification (germline): Conflicting classifications of pathogenicity. Review status: criteria provided, conflicting classifications (1 of 4 stars). 3 submissions from 3 submitters: Uncertain significance (1); Likely benign (2). Last evaluated 2025-02-06.

Conditions:
KIF1A-related disorder. Also called: KIF1A-related disorders; KIF1A-related condition.
Inborn genetic diseases. Identifiers: MedGen C0950123, MeSH D030342.

Submissions (3):

PreventionGenetics, part of Exact Sciences
Classification: Likely benign for KIF1A-related condition. Last evaluated: 2025-02-06. Review status: criteria provided, single submitter. Criteria: ACMG Guidelines, 2015. Collection method: clinical testing. Allele origin: germline.
Comment: This variant is classified as likely benign based on ACMG/AMP sequence variant interpretation guidelines (Richards et al. 2015 PMID: 25741868, with internal and published modifications).

GeneDx
Classification: Uncertain significance. Last evaluated: 2024-06-07. Review status: criteria provided, single submitter. Criteria: GeneDx Variant Classification Process June 2021. Collection method: clinical testing. Allele origin: germline. Affected: yes.
Comment: In-frame deletion of 3 amino acids in a repetitive region with no known function; Has not been previously published as pathogenic or benign to our knowledge; Located in an alternate transcript of the gene

Ambry Genetics
Classification: Likely benign for Inborn genetic diseases. Last evaluated: 2021-08-26. Review status: criteria provided, single submitter. Criteria: Ambry Variant Classification Scheme 2023. Collection method: clinical testing. Allele origin: germline.